The following is an entry in ClinVar:

ClinVar aggregate classification (germline): Conflicting classifications of pathogenicity. Review status: criteria provided, conflicting classifications (1 of 4 stars). 6 submissions from 6 submitters: Pathogenic (2); Likely pathogenic (2); Uncertain significance (2). Last evaluated 2025-10-06.

Conditions:
Cardiovascular phenotype. Identifiers: MedGen CN230736.
Arrhythmogenic right ventricular cardiomyopathy (ARVD). Also called: Cardiomyopathy, ARVC; Arrhythmogenic right ventricular dysplasia; Arrhythmogenic cardiomyopathy; Arrhythmogenic Right Ventricular Cardiomyopathy (ARVC). Identifiers: Orphanet 247, MedGen C0349788, MeSH D019571, MONDO:0016587. Disease mechanism: loss of function. Inheritance: Various modes of inheritance.
Dilated cardiomyopathy 1BB (CMD1BB). Also called: CARDIOMYOPATHY, DILATED, 1BB, SUSCEPTIBILITY TO. Identifiers: Orphanet 154, MedGen C2752072, MONDO:0013030, OMIM 612877.
Arrhythmogenic right ventricular dysplasia 10. Also called: Arrhythmogenic right ventricular dysplasia/cardiomyopathy, type 10; Arrhythmogenic Right Ventricular Dysplasia/Cardiomyopathy10; ARRHYTHMOGENIC RIGHT VENTRICULAR DYSPLASIA, FAMILIAL, 10. Identifiers: MedGen C1857777, MONDO:0012434, OMIM 610193.

Submissions (6):

Variantyx, Inc.
Classification: Likely pathogenic for Arrhythmogenic right ventricular dysplasia 10. Last evaluated: 2025-10-06. Review status: criteria provided, single submitter. Criteria: Variantyx Assertion Criteria 2022. Collection method: clinical testing. Allele origin: germline. Inheritance: Autosomal dominant inheritance. Affected: yes.
Comment: This is a frameshift variant in the DSG2 gene (OMIM: 125671). Pathogenic variants in this gene have been associated with autosomal dominant arrhythmogenic right ventricular dysplasia 10. This variant introduces a premature termination codon in exon 15 out of 15a nd is expected to result in loss of function through protein truncation, which is a known disease mechanism for DSG2 in this disorder (PMID: 17105751, 31386562) (PVS1). This variant has been reported in at least one affected individual (PMID: 29790872) andit has a 0.0034% maximum allele frequency in non-founder control populations (PM2). Based on the current evidence, this variant is classified as pathogenic for autosomal dominant arrhythmogenic right ventricular dysplasia 10.Note, penetrance for this disorder is incomplete (PMID: 20301310).

Ambry Genetics
Classification: Likely pathogenic for Cardiovascular phenotype. Last evaluated: 2024-05-17. Review status: criteria provided, single submitter. Criteria: Ambry Variant Classification Scheme 2023. Collection method: clinical testing. Allele origin: germline.
Comment: The c.2955delT variant, located in coding exon 15 of the DSG2 gene, results from a deletion of one nucleotide at nucleotide position 2955, causing a translational frameshift with a predicted alternate stop codon (p.V986Wfs*6). This alteration occurs at the 3' terminus of theDSG2 gene, is not expected to trigger nonsense-mediated mRNA decay, and only impacts the last 11% of the protein. However, premature stop codons are typically deleterious in nature and a significant portion of the protein is affected (Ambry internal data). This variant is considered to be rare based on population cohorts in the Genome Aggregation Database (gnomAD). Based on the majority of available evidence to date, this variant is likely to be pathogenic.

All of Us Research Program, National Institutes of Health
Classification: Uncertain significance for Arrhythmogenic right ventricular cardiomyopathy. Last evaluated: 2023-05-30. Review status: criteria provided, single submitter. Criteria: ACMG Guidelines, 2015. Collection method: clinical testing. Allele origin: germline. Inheritance: Autosomal dominant inheritance. Observed: 1 variant allele, 1 heterozygote.
Comment: This variant deletes 1 nucleotide in exon 15 of the DSG2 gene, creating a frameshift and premature translation stop signal in the last exon. The mutant transcript is expected to escape nonsense-mediated decay and be expressed as a protein product containing altered C-terminal sequence. To our knowledge, this variant has not been reported in individuals affected with cardiovascular disorders in the literature. This variant has been identified in 1/248354 chromosomes in the general population by the Genome Aggregation Database (gnomAD). The available evidence is insufficient to determine the role of this variant in disease conclusively. Therefore, this variant is classified as a Variant of Uncertain Significance.

This study involves interpretation of variants in research participants for the purpose of population health screening. Participant phenotype was not available at the time of variant classification. Additional details can be found in publication PMID: 35346344, PMCID: PMC8962531

Labcorp Genetics (formerly Invitae), Labcorp
Classification: Pathogenic for Arrhythmogenic right ventricular dysplasia 10. Last evaluated: 2022-12-11. Review status: criteria provided, single submitter. Criteria: Invitae Variant Classification Sherloc (09022015). Collection method: clinical testing. Allele origin: germline.
Comment: For these reasons, this variant has been classified as Pathogenic. This variant disrupts a region of the DSG2 protein in which other variant(s) (p.Glu1020Alafs*18) have been determined to be pathogenic (PMID: 20864495, 21397041, 23381804). This suggests that this is a clinically significant region of the protein, and that variants that disrupt it are likely to be disease-causing. This sequence change creates a premature translational stop signal (p.Val986Trpfs*6) in the DSG2 gene. While this is not anticipated to result in nonsense mediated decay, it is expected to disrupt the last 133 amino acid(s) of the DSG2 protein. ClinVar contains an entry for this variant (Variation ID: 420800). This premature translational stop signal has been observed in individual(s) with postpartum cardiomyopathy (PMID: 29790872). This variant is present in population databases (no rsID available, gnomAD 0.0009%).

GeneDx
Classification: Uncertain significance. Last evaluated: 2018-08-13. Review status: criteria provided, single submitter. Criteria: GeneDx Variant Classification Process June 2021. Collection method: clinical testing. Allele origin: germline. Affected: yes.
Comment: This variant is associated with the following publications: (PMID: 29790872)

HudsonAlpha Institute for Biotechnology
Classification: Pathogenic for Dilated cardiomyopathy 1BB. Last evaluated: 2015-09-04. Review status: criteria provided, single submitter. Criteria: HA_assertions_20150911. Collection method: research. Allele origin: unknown, maternal. Observed: 2 variant alleles. Study: CSER-HudsonAlpha.

Literature cited by the submitters: PubMed 17105751 (cited by Variantyx, Inc.); PubMed 31386562 (cited by Variantyx, Inc.); PubMed 29790872 (cited by 3 submitters); PubMed 20864495 (cited by Ambry Genetics and Labcorp Genetics (formerly Invitae), Labcorp); PubMed 21397041 (cited by Ambry Genetics and Labcorp Genetics (formerly Invitae), Labcorp); PubMed 23381804 (cited by Ambry Genetics and Labcorp Genetics (formerly Invitae), Labcorp); PubMed 23812740 (cited by Ambry Genetics).

NM_001943.5(DSG2):c.2955del (p.Val986fs)

Genes: DSG2 (desmoglein 2; plus strand), DSG2-AS1 (DSG2 antisense RNA 1; minus strand). Cytogenetic location: 18q12.1.
Variant type: Deletion.
Coding change: c.2955del on transcript NM_001943.5 (MANE Select); coding-DNA position 2955, one base deleted (T; older notation c.2955delT).
Protein change: p.Val986fs; shifts the reading frame from valine 986.
Molecular consequence: frameshift variant.
Genome position (GRCh38, 1-based): chr18:31,546,341, T deleted; the last of 2 consecutive T bases (chr18:31,546,340-31,546,341); deleting either gives the same sequence. VCF-style (leftmost placement, unchanged base first): chr18-31546339-GT-G. GRCh37 (hg19) VCF-style: chr18-29126302-GT-G.
Other names: c.2955delT (NM_001943.3); c.2955del (LRG_397t1); short protein forms V986fs.
Identifiers: ClinVar variation 420800 (VCV000420800.11), dbSNP rs1064794709, ClinGen allele CA16021324.